The following is an entry in ClinVar:

NM_004817.4(TJP2):c.590_601del (p.Arg197_Ser200del)

Gene: TJP2 (tight junction protein 2; plus strand). Cytogenetic location: 9q21.11.
Variant type: Deletion.
Coding change: c.590_601del on transcript NM_004817.4 (MANE Select); coding-DNA positions 590 to 601, 12 bases deleted (GTGGCCGGAGCC).
Protein change: p.Arg197_Ser200del.
Molecular consequence: inframe deletion.
Genome position (GRCh38, 1-based): chr9:69,221,134-69,221,145, GTGGCCGGAGCC deleted; deleting any 12 consecutive bases within chr9:69,221,126-69,221,145 gives the same sequence; the c. name uses the placement nearest the transcript's 3' end. VCF-style (leftmost placement, unchanged base first): chr9-69221125-ACCGGAGCCGTGG-A. GRCh37 (hg19) VCF-style: chr9-71836041-ACCGGAGCCGTGG-A.
Other names: c.590_601del, p.Arg197_Ser200del (LRG_1201t1, NM_001369872.1, NM_001369873.1 and 1 more transcripts); c.521_532del, p.Arg174_Ser177del (NM_001170414.2, NM_001369870.1, NM_001369871.1); c.602_613del, p.Arg201_Ser204del (NM_001170415.1, NM_001369874.1, NM_001369875.1); c.683_694del, p.Arg228_Ser231del (NM_001170416.2); c.590_601delGTGGCCGGAGCC (NM_004817.3); c.590_601del12 (NM_004817.3); c.590_601del (NM_004817.3).
Identifiers: ClinVar variation 504237 (VCV000504237.11), dbSNP rs749616153, ClinGen allele CA5073038.

ClinVar aggregate classification (germline): Uncertain significance. Review status: criteria provided, multiple submitters, no conflicts (2 of 4 stars). 4 submissions from 4 submitters: Uncertain significance (4). Last evaluated 2026-09-24.

Conditions:
Cholestasis, progressive familial intrahepatic, 4. Identifiers: Orphanet 480483, Orphanet 79304, MedGen C2931067, MONDO:0014381, OMIM 615878.
TJP2-related disorder. Also called: TJP2-related condition.

Submissions (4):

GeneDx
Classification: Uncertain significance. Last evaluated: 2026-09-24. Review status: criteria provided, single submitter. Criteria: GeneDx Variant Classification Process June 2021. Collection method: clinical testing. Allele origin: germline.
Comment: In-frame deletion of 4 amino acid(s) in a non-repeat region; In silico analysis supports a deleterious effect on protein structure/function; Has not been previously published as pathogenic or benign to our knowledge

PreventionGenetics, part of Exact Sciences
Classification: Uncertain significance for TJP2-related condition. Last evaluated: 2026-05-19. Review status: criteria provided, single submitter. Criteria: ACMG Guidelines, 2015. Collection method: clinical testing. Allele origin: germline.
Comment: The TJP2 c.590_601del12 variant is predicted to result in an in-frame deletion (p.Arg197_Ser200del). To our knowledge, this variant has not been reported in the literature. This variant is reported in 0.024% of alleles in individuals of European (Finnish) descent in gnomAD. At this time, the clinical significance of this variant is uncertain due to the absence of conclusive functional and genetic evidence.

Labcorp Genetics (formerly Invitae), Labcorp
Classification: Uncertain significance. Last evaluated: 2024-10-24. Review status: criteria provided, single submitter. Criteria: Invitae Variant Classification Sherloc (09022015). Collection method: clinical testing. Allele origin: germline.
Comment: This variant, c.590_601del, results in the deletion of 4 amino acid(s) of the TJP2 protein (p.Arg197_Ser200del), but otherwise preserves the integrity of the reading frame. This variant is present in population databases (rs749616153, gnomAD 0.02%). This variant has not been reported in the literature in individuals affected with TJP2-related conditions. ClinVar contains an entry for this variant (Variation ID: 504237). Experimental studies and prediction algorithms are not available or were not evaluated, and the functional significance of this variant is currently unknown. In summary, the available evidence is currently insufficient to determine the role of this variant in disease. Therefore, it has been classified as a Variant of Uncertain Significance.

Neuberg Centre For Genomic Medicine, NCGM
Classification: Uncertain significance for Cholestasis, progressive familial intrahepatic, 4. Last evaluated: 2023-06-22. Review status: criteria provided, single submitter. Criteria: ACMG Guidelines, 2015. Collection method: clinical testing. Allele origin: germline. Inheritance: Autosomal recessive inheritance. Affected: yes.
Comment: The observed inframe deletion c.590_601del(p.Arg197_Ser200del) variant in TJP2 gene has not been reported previously as a pathogenic variant nor as a benign variant, to our knowledge. This variant is reported with the allele frequency of 0.01% in the gnomAD Exomes. This variant has been reported to the ClinVar database as Uncertain Significance. However, no details are available for independent assessment. This p.Arg197_Ser200del causes deletion of amino acid Arginine at position 197 to Serine at position 200. For these reasons, this variant has been classified as Uncertain Significance.